The following is an entry in ClinVar:

NM_021871.4(FGA):c.811C>T (p.Arg271Ter)

Gene: FGA (fibrinogen alpha chain; minus strand). Cytogenetic location: 4q31.3.
Variant type: single nucleotide variant.
Coding change: c.811C>T on transcript NM_021871.4 (MANE Select); coding-DNA position 811, C replaced by T.
Protein change: p.Arg271Ter; replaces arginine 271 with a stop codon.
Molecular consequence: nonsense.
Genome position (GRCh38, 1-based): chr4:154,586,618, G>A on the plus strand (C>T on the coding strand, the complement: FGA is on the minus strand). VCF-style: chr4-154586618-G-A. GRCh37 (hg19) VCF-style: chr4-155507770-G-A.
Other names: c.811C>T, p.Arg271Ter (NM_000508.5); short protein forms R271*.
Identifiers: ClinVar variation 800649 (VCV000800649.3), dbSNP rs1578796476, ClinGen allele CA358531070.
Genomic context (GRCh38, chr4:154,586,618, plus strand): 5'-TGCTAGGGTTCCTGGGGCTTTCCGTCTCTGATCCGGTTCCATAAGAGGTGGAGCCTCCTC[G>A]AGTAATCTCATTTCCACCAGGTCTCTCTAACTCCATTCTCATCTGCGGCATGTCTGTTAA-3'

ClinVar aggregate classification (germline): Pathogenic (0 of 4 stars; one submission).

Conditions:
Congenital afibrinogenemia. Identifiers: Orphanet 335, Orphanet 98880, MedGen C2584774, MONDO:0008737, OMIM 202400.

Allele frequency attached by ClinVar (database versions not stated): gnomAD exomes below 0.00001; gnomAD 0.00001.
gnomAD v4.1: 2 of 1,613,846 alleles (0.00012%); highest among the groups gnomAD compares: East Asian, 0.0022%; no homozygotes.

Submission:

Biochemistry Laboratory, Bechir Hamza Children's Hospital
Classification: Pathogenic for Congenital afibrinogenemia. Review status: no assertion criteria provided. Collection method: research. Allele origin: germline. Inheritance: Autosomal recessive inheritance. Affected: yes. Observed: 1 homozygote.
Comment: Diagnosis of afibrinogenemia was made at birth after prolonged umbilical cord bleeding and routine coagulation tests that revealed immeasurable functional and immunologic fibrinogen levels in plasma. To prevent this bleeding, regular infusions of cryoprecipitate were given to maintain fibrinogen levels at >60 mg/dl

Literature cited by the submitters: PubMed 27164460.